The following is an entry in ClinVar:

ClinVar aggregate classification (germline): Uncertain significance (1 of 4 stars; one submission).

Conditions:
Cardiovascular phenotype. Identifiers: MedGen CN230736.

Submission:

Ambry Genetics
Classification: Uncertain significance for Cardiovascular phenotype. Last evaluated: 2024-08-23. Review status: criteria provided, single submitter. Criteria: Ambry Variant Classification Scheme 2023. Collection method: clinical testing. Allele origin: germline.
Comment: The p.L183S variant (also known as c.548T>C), located in coding exon 5 of the TBX5 gene, results from a T to C substitution at nucleotide position 548. The leucine at codon 183 is replaced by serine, an amino acid with dissimilar properties. This amino acid position is conserved. In addition, this alteration is predicted to be deleterious by in silico analysis. Based on the available evidence, the clinical significance of this variant remains unclear.

NM_181486.4(TBX5):c.548T>C (p.Leu183Ser)

Gene: TBX5 (T-box transcription factor 5; minus strand). Cytogenetic location: 12q24.21.
Variant type: single nucleotide variant.
Coding change: c.548T>C on transcript NM_181486.4 (MANE Select); coding-DNA position 548, T replaced by C.
Protein change: p.Leu183Ser; replaces leucine 183 with serine.
Molecular consequence: missense variant.
Genome position (GRCh38, 1-based): chr12:114,394,856, A>G on the plus strand (T>C on the coding strand, the complement: TBX5 is on the minus strand). VCF-style: chr12-114394856-A-G. GRCh37 (hg19) VCF-style: chr12-114832661-A-G.
Other names: c.548T>C, p.Leu183Ser (NM_000192.3); c.398T>C, p.Leu133Ser (NM_080717.4); short protein forms L183S, L133S.
Identifiers: ClinVar variation 3453919 (VCV003453919.1).